The following is an entry in ClinVar:

ClinVar aggregate classification (germline): Benign/Likely benign. Review status: criteria provided, multiple submitters, no conflicts (2 of 4 stars). 3 submissions from 3 submitters: Benign (1); Likely benign (2). Last evaluated 2025-08-26.

Allele frequency attached by ClinVar (database versions not stated): gnomAD exomes 0.00014; ExAC 0.00036; 1000 Genomes Project 0.00100; gnomAD 0.00103; 1000 Genomes Project 30x 0.00109; ESP Exome Variant Server 0.00123; TOPMed 0.00124.
gnomAD v4.1: 393 of 1,612,726 alleles (0.024%); highest among the groups gnomAD compares: African/African-American, 0.36%; 4 homozygotes.

Submissions (3):

Mayo Clinic Laboratories, Mayo Clinic
Classification: Likely benign. Last evaluated: 2025-08-26. Review status: criteria provided, single submitter. Criteria: ACMG Guidelines, 2015. Collection method: clinical testing. Allele origin: germline. Observed: 1 variant allele.
Comment: BS2, BP4, BP7

Blueprint Genetics
Classification: Likely benign. Last evaluated: 2024-07-11. Review status: criteria provided, single submitter. Criteria: ACMG Guidelines, 2015. Collection method: clinical testing. Allele origin: germline.

Labcorp Genetics (formerly Invitae), Labcorp
Classification: Benign. Last evaluated: 2024-02-13. Review status: criteria provided, single submitter. Criteria: Invitae Variant Classification Sherloc (09022015). Collection method: clinical testing. Allele origin: germline.

NM_001256071.3(RNF213):c.640A>C (p.Arg214=)

Gene: RNF213 (ring finger protein 213; plus strand). Cytogenetic location: 17q25.3.
Variant type: single nucleotide variant.
Coding change: c.640A>C on transcript NM_001256071.3 (MANE Select); coding-DNA position 640, A replaced by C.
Protein change: p.Arg214=; no amino-acid change (arginine 214 retained).
Molecular consequence: synonymous variant.
Genome position (GRCh38, 1-based): chr17:80,288,193, A>C. VCF-style: chr17-80288193-A-C. GRCh37 (hg19) VCF-style: chr17-78261992-A-C.
Other names: p.Arg214=; c.787A>C, p.Arg263= (NM_001410195.1, NM_020914.5); c.640A>C, p.Arg214= (NM_020954.4).
Identifiers: ClinVar variation 2724549 (VCV002724549.5), dbSNP rs138677961, ClinGen allele CA8819308.